The following is an entry in ClinVar:

NM_021098.3(CACNA1H):c.5958G>T (p.Ser1986=)

Gene: CACNA1H (calcium voltage-gated channel subunit alpha1 H; plus strand). Cytogenetic location: 16p13.3.
Variant type: single nucleotide variant.
Coding change: c.5958G>T on transcript NM_021098.3 (MANE Select); coding-DNA position 5958, G replaced by T.
Protein change: p.Ser1986=; no amino-acid change (serine 1986 retained).
Molecular consequence: synonymous variant.
Genome position (GRCh38, 1-based): chr16:1,219,040, G>T. VCF-style: chr16-1219040-G-T. GRCh37 (hg19) VCF-style: chr16-1269040-G-T.
Other names: c.5940G>T, p.Ser1980= (NM_001005407.2).
Identifiers: ClinVar variation 1992497 (VCV001992497.3), dbSNP rs370805573, ClinGen allele CA492888049.
Genomic context (GRCh38, chr16:1,219,040, plus strand): 5'-CTCTGTGCACTCTCCGCCCGCAGAGTCCTGTGCCTCCCTCCAGATCCCATTGGCTGTGTC[G>T]TCCCCAGCCAGGAGCGGCGAGCCCCTCCACGCCCTGTCCCCTCGGGGCACAGCCCGCTCC-3'
Protein context (NP_066921.2, residues 1976-1996): CASLQIPLAV[Ser1986=]SPARSGEPLH

ClinVar aggregate classification (germline): Uncertain significance (1 of 4 stars; one submission).

Conditions:
Hyperaldosteronism, familial, type IV (HALD4). Also called: FH IV; ALDOSTERONISM, PRIMARY, AND HYPERTENSION. Identifiers: Orphanet 642671, MedGen C4310756, MONDO:0014875, OMIM 617027.
Idiopathic generalized epilepsy. Also called: EIG; Generalised epilepsy. Identifiers: MedGen C0270850, MONDO:0005579, OMIM 600669.

Submission:

Labcorp Genetics (formerly Invitae), Labcorp
Classification: Uncertain significance for Idiopathic generalized epilepsy; Hyperaldosteronism, familial, type IV. Last evaluated: 2024-10-22. Review status: criteria provided, single submitter. Criteria: Invitae Variant Classification Sherloc (09022015). Collection method: clinical testing. Allele origin: germline.
Comment: This sequence change affects codon 1986 of the CACNA1H mRNA. It is a 'silent' change, meaning that it does not change the encoded amino acid sequence of the CACNA1H protein. This variant is not present in population databases (gnomAD no frequency). This variant has not been reported in the literature in individuals affected with CACNA1H-related conditions. ClinVar contains an entry for this variant (Variation ID: 1992497). Algorithms developed to predict the effect of sequence changes on RNA splicing suggest that this variant may create or strengthen a splice site. In summary, the available evidence is currently insufficient to determine the role of this variant in disease. Therefore, it has been classified as a Variant of Uncertain Significance.